The following is an entry in ClinVar:

ClinVar aggregate classification (germline): Likely pathogenic (1 of 4 stars; one submission).

Conditions:
Multiple acyl-CoA dehydrogenase deficiency (MADD). Also called: ETHYLMALONIC-ADIPICACIDURIA; GA II; Glutaric aciduria, type 2; Glutaric Acidemia type 2; Glutaric acidemia type II; GA 2. Identifiers: Orphanet 26791, MedGen C0268596, MONDO:0009282, OMIM 231680.

Submission:

Labcorp Genetics (formerly Invitae), Labcorp
Classification: Likely pathogenic for Multiple acyl-CoA dehydrogenase deficiency. Last evaluated: 2023-02-13. Review status: criteria provided, single submitter. Criteria: Invitae Variant Classification Sherloc (09022015). Collection method: clinical testing. Allele origin: germline.
Comment: In summary, the currently available evidence indicates that the variant is pathogenic, but additional data are needed to prove that conclusively. Therefore, this variant has been classified as Likely Pathogenic. Algorithms developed to predict the effect of sequence changes on RNA splicing suggest that this variant may disrupt the consensus splice site. This sequence change affects an acceptor splice site in intron 8 of the ETFA gene. It is expected to disrupt RNA splicing. Variants that disrupt the donor or acceptor splice site typically lead to a loss of protein function (PMID: 16199547), and loss-of-function variants in ETFA are known to be pathogenic (PMID: 16510302, 23785301). This variant has not been reported in the literature in individuals affected with ETFA-related conditions. This variant is not present in population databases (gnomAD no frequency).

Literature cited by the submitters: PubMed 16199547; PubMed 16510302; PubMed 23785301.

NM_000126.4(ETFA):c.734-2A>G

Gene: ETFA (electron transfer flavoprotein subunit alpha; minus strand). Cytogenetic location: 15q24.2.
Variant type: single nucleotide variant.
Coding change: c.734-2A>G on transcript NM_000126.4 (MANE Select); the canonical splice acceptor site of the intron before coding-DNA position 734, A replaced by G.
Molecular consequence: splice acceptor variant.
Genome position (GRCh38, 1-based): chr15:76,274,496, T>C on the plus strand (A>G on the coding strand, the complement: ETFA is on the minus strand). VCF-style: chr15-76274496-T-C. GRCh37 (hg19) VCF-style: chr15-76566837-T-C.
Other names: c.587-2A>G (NM_001127716.2).
Identifiers: ClinVar variation 2836595 (VCV002836595.3), dbSNP rs2543011317, ClinGen allele CA393511120.